The following is an entry in ClinVar:

NM_015662.3(IFT172):c.463G>C (p.Val155Leu)

Gene: IFT172 (intraflagellar transport 172; minus strand). Cytogenetic location: 2p23.3.
Variant type: single nucleotide variant.
Coding change: c.463G>C on transcript NM_015662.3 (MANE Select); coding-DNA position 463, G replaced by C.
Protein change: p.Val155Leu; replaces valine 155 with leucine.
Molecular consequence: missense variant.
Genome position (GRCh38, 1-based): chr2:27,483,599, C>G on the plus strand (G>C on the coding strand, the complement: IFT172 is on the minus strand). VCF-style: chr2-27483599-C-G. GRCh37 (hg19) VCF-style: chr2-27706466-C-G.
Other names: short protein forms V155L.
Identifiers: ClinVar variation 961902 (VCV000961902.6), dbSNP rs149969430, ClinGen allele CA1580975.

ClinVar aggregate classification (germline): Uncertain significance. Review status: criteria provided, multiple submitters, no conflicts (2 of 4 stars). 2 submissions from 2 submitters: Uncertain significance (2). Last evaluated 2024-12-04.

Conditions:
IFT172-related disorder. Also called: IFT172-related disorders; IFT172-related condition.
Short-rib thoracic dysplasia 10 with or without polydactyly (SRTD10). Identifiers: Orphanet 474, MedGen C3810175, MONDO:0014284, OMIM 615630.
Retinitis pigmentosa 71 (RP71). Identifiers: Orphanet 791, MedGen C4225342, MONDO:0014618, OMIM 616394.

gnomAD v4.1: 6 of 1,613,970 alleles (0.00037%); highest among the groups gnomAD compares: Admixed American, 0.01%; no homozygotes.

Submissions (2):

PreventionGenetics, part of Exact Sciences
Classification: Uncertain significance for IFT172-related condition. Last evaluated: 2024-12-04. Review status: criteria provided, single submitter. Criteria: ACMG Guidelines, 2015. Collection method: clinical testing. Allele origin: germline.
Comment: The IFT172 c.463G>C variant is predicted to result in the amino acid substitution p.Val155Leu. To our knowledge, this variant has not been reported in the literature. This variant is reported in 0.012% of alleles in individuals of Latino descent in gnomAD. At this time, the clinical significance of this variant is uncertain due to the absence of conclusive functional and genetic evidence.

Labcorp Genetics (formerly Invitae), Labcorp
Classification: Uncertain significance for Retinitis pigmentosa 71; Short-rib thoracic dysplasia 10 with or without polydactyly. Last evaluated: 2022-07-26. Review status: criteria provided, single submitter. Criteria: Invitae Variant Classification Sherloc (09022015). Collection method: clinical testing. Allele origin: germline.
Comment: In summary, the available evidence is currently insufficient to determine the role of this variant in disease. Therefore, it has been classified as a Variant of Uncertain Significance. Algorithms developed to predict the effect of missense changes on protein structure and function are either unavailable or do not agree on the potential impact of this missense change (SIFT: "Tolerated"; PolyPhen-2: "Probably Damaging"; Align-GVGD: "Class C0"). ClinVar contains an entry for this variant (Variation ID: 961902). This variant has not been reported in the literature in individuals affected with IFT172-related conditions. This variant is present in population databases (rs149969430, gnomAD 0.01%). This sequence change replaces valine, which is neutral and non-polar, with leucine, which is neutral and non-polar, at codon 155 of the IFT172 protein (p.Val155Leu).